The following is an entry in ClinVar:

NM_001306084.2(CFAP54):c.5976del (p.Cys1993fs)

Gene: CFAP54 (cilia and flagella associated protein 54; plus strand). Cytogenetic location: 12q23.1.
Variant type: Deletion.
Coding change: c.5976del on transcript NM_001306084.2 (MANE Select); coding-DNA position 5976, one base deleted (G; older notation c.5976delG).
Protein change: p.Cys1993fs; shifts the reading frame from cysteine 1993.
Molecular consequence: frameshift variant.
Genome position (GRCh38, 1-based): chr12:96,685,200, G deleted; the last of 5 consecutive G bases (chr12:96,685,196-96,685,200); deleting any one gives the same sequence. VCF-style (leftmost placement, unchanged base first): chr12-96685195-TG-T. GRCh37 (hg19) VCF-style: chr12-97078973-TG-T.
Other names: c.6171del, p.Cys2058fs (NM_001367885.1); short protein forms C1993fs, C2058fs.
Identifiers: ClinVar variation 4856346 (VCV004856346.1).

ClinVar aggregate classification (germline): Pathogenic (1 of 4 stars; one submission).

Conditions:
Ciliary dyskinesia, primary, 54. Identifiers: MedGen C6012704, MONDO:0100607, OMIM 621125.

Submission:

3billion
Classification: Pathogenic for Ciliary dyskinesia, primary, 54. Last evaluated: 2026-01-23. Review status: criteria provided, single submitter. Criteria: ACMG Guidelines, 2015. Collection method: clinical testing. Allele origin: germline. Affected: yes.
Comment: The variant is not observed in the gnomAD v4.1.0 dataset. Predicted Consequence/Location: Frameshift: predicted to result in a loss or disruption of normal protein function through nonsense-mediated decay (NMD) or protein truncation. Multiple pathogenic variants are reported downstream of the variant. Therefore, this variant is classified as Pathogenic according to the recommendation of ACMG/AMP guideline.